The following is an entry in ClinVar:

ClinVar aggregate classification (germline): Uncertain significance (1 of 4 stars; one submission).

Conditions:
Sphingolipid activator protein 1 deficiency. Also called: Metachromatic leukodystrophy due to saposin B deficiency; Saposin B Deficiency; METACHROMATIC LEUKODYSTROPHY DUE TO CEREBROSIDE SULFATASE ACTIVATOR DEFICIENCY. Identifiers: Orphanet 512, MedGen C0268262, MONDO:0009590, OMIM 249900.

Submission:

Labcorp Genetics (formerly Invitae), Labcorp
Classification: Uncertain significance for Sphingolipid activator protein 1 deficiency. Last evaluated: 2024-11-18. Review status: criteria provided, single submitter. Criteria: Invitae Variant Classification Sherloc (09022015). Collection method: clinical testing. Allele origin: germline.
Comment: This sequence change falls in intron 8 of the PSAP gene. It does not directly change the encoded amino acid sequence of the PSAP protein. This variant is not present in population databases (gnomAD no frequency). This variant has not been reported in the literature in individuals affected with PSAP-related conditions. Algorithms developed to predict the effect of sequence changes on RNA splicing suggest that this variant may disrupt the consensus splice site. In summary, the available evidence is currently insufficient to determine the role of this variant in disease. Therefore, it has been classified as a Variant of Uncertain Significance.

NM_002778.4(PSAP):c.910-11T>G

Gene: PSAP (prosaposin; minus strand). Cytogenetic location: 10q22.1.
Variant type: single nucleotide variant.
Coding change: c.910-11T>G on transcript NM_002778.4 (MANE Select); 11 bases into the intron before coding-DNA position 910, T replaced by G.
Molecular consequence: intron variant.
Genome position (GRCh38, 1-based): chr10:71,820,346, A>C on the plus strand (T>G on the coding strand, the complement: PSAP is on the minus strand). VCF-style: chr10-71820346-A-C. GRCh37 (hg19) VCF-style: chr10-73580103-A-C.
Other names: c.916-11T>G (NM_001042466.3); c.919-11T>G (NM_001042465.3).
Identifiers: ClinVar variation 3679603 (VCV003679603.1).